The following is an entry in ClinVar:

NM_000632.4(ITGAM):c.2131T>G (p.Cys711Gly)

Gene: ITGAM (integrin subunit alpha M; plus strand). Cytogenetic location: 16p11.2.
Variant type: single nucleotide variant.
Coding change: c.2131T>G on transcript NM_000632.4 (MANE Select); coding-DNA position 2131, T replaced by G.
Protein change: p.Cys711Gly; replaces cysteine 711 with glycine.
Molecular consequence: missense variant.
Genome position (GRCh38, 1-based): chr16:31,324,527, T>G. VCF-style: chr16-31324527-T-G. GRCh37 (hg19) VCF-style: chr16-31335848-T-G.
Other names: c.2134T>G, p.Cys712Gly (NM_001145808.2); short protein forms C712G, C711G.
Identifiers: ClinVar variation 1461929 (VCV001461929.8), dbSNP rs1274583988, ClinGen allele CA395687635.

ClinVar aggregate classification (germline): Uncertain significance (1 of 4 stars; one submission).

Submission:

Labcorp Genetics (formerly Invitae), Labcorp
Classification: Uncertain significance. Last evaluated: 2021-03-30. Review status: criteria provided, single submitter. Criteria: Invitae Variant Classification Sherloc (09022015). Collection method: clinical testing. Allele origin: germline.
Comment: This sequence change replaces cysteine with glycine at codon 711 of the ITGAM protein (p.Cys711Gly). The cysteine residue is highly conserved and there is a large physicochemical difference between cysteine and glycine. In summary, the available evidence is currently insufficient to determine the role of this variant in disease. Therefore, it has been classified as a Variant of Uncertain Significance. Algorithms developed to predict the effect of sequence changes on RNA splicing suggest that this variant may create or strengthen a splice site, but this prediction has not been confirmed by published transcriptional studies. Algorithms developed to predict the effect of missense changes on protein structure and function (SIFT, PolyPhen-2, Align-GVGD) all suggest that this variant is likely to be disruptive, but these predictions have not been confirmed by published functional studies and their clinical significance is uncertain. This variant has not been reported in the literature in individuals with ITGAM-related conditions. This variant is not present in population databases (ExAC no frequency).